The following is an entry in ClinVar:

ClinVar aggregate classification (germline): Uncertain significance. Review status: criteria provided, multiple submitters, no conflicts (2 of 4 stars). 3 submissions from 3 submitters: Uncertain significance (3). Last evaluated 2021-08-31.

Conditions:
Aculeiform cataract (CTRCT4). Also called: Fasciculiform cataract; Frosted cataract; Needle-shaped cataract. Identifiers: MedGen C1861832, HP:0010926.
Inborn genetic diseases. Identifiers: MedGen C0950123, MeSH D030342.

Allele frequency attached by ClinVar (database versions not stated): gnomAD 0.00005 and 0.00006; TOPMed 0.00007; gnomAD exomes 0.00011; ExAC 0.00029.

Submissions (3):

Labcorp Genetics (formerly Invitae), Labcorp
Classification: Uncertain significance for Aculeiform cataract. Last evaluated: 2021-08-31. Review status: criteria provided, single submitter. Criteria: Invitae Variant Classification Sherloc (09022015). Collection method: clinical testing. Allele origin: germline.
Comment: This sequence change replaces serine with tryptophan at codon 52 of the CRYGD protein (p.Ser52Trp). The serine residue is weakly conserved and there is a large physicochemical difference between serine and tryptophan. This variant is present in population databases (rs762200707, ExAC 0.07%), and has an allele count higher than expected for a pathogenic variant (PMID: 28166811). This variant has not been reported in the literature in individuals affected with CRYGD-related conditions. Algorithms developed to predict the effect of missense changes on protein structure and function are either unavailable or do not agree on the potential impact of this missense change (SIFT: "Deleterious"; PolyPhen-2: "Possibly Damaging"; Align-GVGD: "Class C0"). In summary, the available evidence is currently insufficient to determine the role of this variant in disease. Therefore, it has been classified as a Variant of Uncertain Significance.

Ambry Genetics
Classification: Uncertain significance for Inborn genetic diseases. Last evaluated: 2021-07-14. Review status: criteria provided, single submitter. Criteria: Ambry Variant Classification Scheme 2023. Collection method: clinical testing. Allele origin: germline.

Breakthrough Genomics
Classification: Uncertain significance. Review status: criteria provided, single submitter. Criteria: ACMG Guidelines, 2015. Collection method: not provided. Allele origin: germline. Inheritance: Autosomal dominant inheritance. Affected: yes.

Literature cited by the submitters: PubMed 28166811 (cited by Labcorp Genetics (formerly Invitae), Labcorp).

NM_006891.4(CRYGD):c.155C>G (p.Ser52Trp)

Genes: CRYGD (crystallin gamma D; minus strand), LOC100507443 (uncharacterized LOC100507443; plus strand). Cytogenetic location: 2q33.3.
Variant type: single nucleotide variant.
Coding change: c.155C>G on transcript NM_006891.4 (MANE Select); coding-DNA position 155, C replaced by G.
Protein change: p.Ser52Trp; replaces serine 52 with tryptophan.
Molecular consequence: missense variant.
Genome position (GRCh38, 1-based): chr2:208,124,209, G>C on the plus strand (C>G on the coding strand, the complement: CRYGD is on the minus strand). VCF-style: chr2-208124209-G-C. GRCh37 (hg19) VCF-style: chr2-208988933-G-C.
Other names: short protein forms S52W.
Identifiers: ClinVar variation 536129 (VCV000536129.9), dbSNP rs762200707, ClinGen allele CA2077721.